The following is an entry in ClinVar:

NM_016252.4(BIRC6):c.3075A>G (p.Leu1025=)

Gene: BIRC6 (baculoviral IAP repeat containing 6; plus strand). Cytogenetic location: 2p22.3.
Variant type: single nucleotide variant.
Coding change: c.3075A>G on transcript NM_016252.4 (MANE Select); coding-DNA position 3075, A replaced by G.
Protein change: p.Leu1025=; no amino-acid change (leucine 1025 retained).
Molecular consequence: synonymous variant.
Genome position (GRCh38, 1-based): chr2:32,430,917, A>G. VCF-style: chr2-32430917-A-G. GRCh37 (hg19) VCF-style: chr2-32655985-A-G.
Other names: c.2991A>G, p.Leu997= (NM_001378125.1).
Identifiers: ClinVar variation 3051742 (VCV003051742.2), dbSNP rs145516075, ClinGen allele CA1603050.

ClinVar aggregate classification (germline): Likely benign (0 of 4 stars; one submission).

Conditions:
BIRC6-related disorder. Also called: BIRC6-related condition.

Allele frequency attached by ClinVar (database versions not stated): gnomAD exomes 0.00005; ExAC 0.00012; gnomAD 0.00044; ESP Exome Variant Server 0.00054; 1000 Genomes Project 0.00080; 1000 Genomes Project 30x 0.00109.
gnomAD v4.1: 138 of 1,608,900 alleles (0.0086%); highest among the groups gnomAD compares: African/African-American, 0.17%; no homozygotes.

Submission:

PreventionGenetics, part of Exact Sciences
Classification: Likely benign for BIRC6-related condition. Last evaluated: 2019-02-21. Review status: no assertion criteria provided. Collection method: clinical testing. Allele origin: germline.
Comment: This variant is classified as likely benign based on ACMG/AMP sequence variant interpretation guidelines (Richards et al. 2015 PMID: 25741868, with internal and published modifications).